The following is an entry in ClinVar:

NM_181486.4(TBX5):c.*836A>C

Gene: TBX5 (T-box transcription factor 5; minus strand). Cytogenetic location: 12q24.21.
Variant type: single nucleotide variant.
Coding change: c.*836A>C on transcript NM_181486.4 (MANE Select); 836 bases downstream of the stop codon, A replaced by C.
Molecular consequence: 3 prime UTR variant.
Genome position (GRCh38, 1-based): chr12:114,354,696, T>G on the plus strand (A>C on the coding strand, the complement: TBX5 is on the minus strand). VCF-style: chr12-114354696-T-G. GRCh37 (hg19) VCF-style: chr12-114792501-T-G.
Other names: c.*836A>C (NM_000192.3, NM_080717.4).
Identifiers: ClinVar variation 883588 (VCV000883588.4), dbSNP rs537303672, ClinGen allele CA244262145.

ClinVar aggregate classification (germline): Likely benign (1 of 4 stars; one submission).

Conditions:
Holt-Oram syndrome (HOS). Also called: Ventriculo-radial syndrome; Cardiac-limb syndrome; Heart-hand syndrome, type 1; TBX5-Related Holt-Oram Syndrome. Identifiers: Orphanet 392, MedGen C0265264, MONDO:0007732, OMIM 142900.

Allele frequency attached by ClinVar (database versions not stated): TOPMed 0.00005; 1000 Genomes Project 0.00080.

Submission:

Illumina Laboratory Services, Illumina
Classification: Likely benign for Holt-Oram syndrome. Last evaluated: 2018-01-13. Review status: criteria provided, single submitter. Criteria: ICSL Variant Classification Criteria 13 December 2019. Collection method: clinical testing. Allele origin: germline.
Comment: This variant was observed in the ICSL laboratory as part of a predisposition screen in an ostensibly healthy population. It had not been previously curated by ICSL or reported in the Human Gene Mutation Database (HGMD: prior to June 1st, 2018), and was therefore a candidate for classification through an automated scoring system. Utilizing variant allele frequency, disease prevalence and penetrance estimates, and inheritance mode, an automated score was calculated to assess if this variant is too frequent to cause the disease. Based on the score and internal cut-off values, a variant classified as likely benign is not then subjected to further curation. The score for this variant resulted in a classification of likely benign for this disease.